The following is an entry in ClinVar:

NM_001145809.2(MYH14):c.2224G>A (p.Glu742Lys)

Gene: MYH14 (myosin heavy chain 14; plus strand). Cytogenetic location: 19q13.33.
Variant type: single nucleotide variant.
Coding change: c.2224G>A on transcript NM_001145809.2 (MANE Select); coding-DNA position 2224, G replaced by A.
Protein change: p.Glu742Lys; replaces glutamic acid 742 with lysine.
Molecular consequence: missense variant.
Genome position (GRCh38, 1-based): chr19:50,257,478, G>A. VCF-style: chr19-50257478-G-A. GRCh37 (hg19) VCF-style: chr19-50760735-G-A.
Other names: c.2125G>A, p.Glu709Lys (NM_001077186.2); c.2101G>A, p.Glu701Lys (NM_024729.4); short protein forms E701K, E709K, E742K.
Identifiers: ClinVar variation 4527125 (VCV004527125.1).

ClinVar aggregate classification (germline): Uncertain significance (1 of 4 stars; one submission).

gnomAD v4.1: 14 of 1,601,262 alleles (0.00087%); highest among the groups gnomAD compares: African/African-American, 0.0027%; no homozygotes.

Submission:

GeneDx
Classification: Uncertain significance. Last evaluated: 2025-04-22. Review status: criteria provided, single submitter. Criteria: GeneDx Variant Classification Process June 2021. Collection method: clinical testing. Allele origin: germline. Affected: yes.
Comment: Not observed at significant frequency in large population cohorts (gnomAD); In silico analysis supports that this missense variant has a deleterious effect on protein structure/function; Has not been previously published as pathogenic or benign to our knowledge